The following is an entry in ClinVar:

ClinVar aggregate classification (germline): Likely benign. Review status: criteria provided, multiple submitters, no conflicts (2 of 4 stars). 3 submissions from 3 submitters: Likely benign (2). 1 of the submissions does not count toward it. Last evaluated 2026-01-12.

Conditions:
CACNA1E-related disorder. Also called: CACNA1E-related condition.

Allele frequency attached by ClinVar (database versions not stated): gnomAD exomes 0.00005; TOPMed 0.00005; ExAC 0.00007.
gnomAD v4.1: 98 of 1,612,474 alleles (0.0061%); highest among the groups gnomAD compares: Middle Eastern, 0.016%; no homozygotes.

Submissions (3):

Labcorp Genetics (formerly Invitae), Labcorp
Classification: Likely benign. Last evaluated: 2026-01-12. Review status: criteria provided, single submitter. Criteria: Invitae Variant Classification Sherloc (09022015). Collection method: clinical testing. Allele origin: germline.

Blueprint Genetics
Classification: Likely benign. Last evaluated: 2024-03-12. Review status: criteria provided, single submitter. Criteria: ACMG Guidelines, 2015. Collection method: clinical testing. Allele origin: germline.

PreventionGenetics, part of Exact Sciences
Classification: Likely benign for CACNA1E-related condition. Last evaluated: 2024-07-22. Review status: no assertion criteria provided. Collection method: clinical testing. Allele origin: germline. Not counted in ClinVar's aggregate classification.
Comment: This variant is classified as likely benign based on ACMG/AMP sequence variant interpretation guidelines (Richards et al. 2015 PMID: 25741868, with internal and published modifications).

NM_001205293.3(CACNA1E):c.5406G>A (p.Thr1802=)

Gene: CACNA1E (calcium voltage-gated channel subunit alpha1 E; plus strand). Cytogenetic location: 1q25.3.
Variant type: single nucleotide variant.
Coding change: c.5406G>A on transcript NM_001205293.3 (MANE Select); coding-DNA position 5406, G replaced by A.
Protein change: p.Thr1802=; no amino-acid change (threonine 1802 retained).
Molecular consequence: synonymous variant.
Genome position (GRCh38, 1-based): chr1:181,783,720, G>A. VCF-style: chr1-181783720-G-A. GRCh37 (hg19) VCF-style: chr1-181752856-G-A.
Other names: c.5406G>A, p.Thr1802= (NM_000721.4); c.5349G>A, p.Thr1783= (NM_001205294.2); c.5406G>A (NM_000721.3).
Identifiers: ClinVar variation 1620788 (VCV001620788.10), dbSNP rs756368564, ClinGen allele CA1276126.
Genomic context (GRCh38, chr1:181,783,720, plus strand): 5'-TTTTTTCTCTTTCACACAGAGGTTGGTCCTGATGAACATGCCAGTAGCTGAGGACATGAC[G>A]GTCCACTTCACCTCCACACTTATGGCTCTGATCCGGACAGCTCTGGACATTAAAATTGCC-3'
Protein context (NP_001192222.1, residues 1792-1812): LMNMPVAEDM[Thr1802=]VHFTSTLMAL